The following is an entry in ClinVar:

ClinVar aggregate classification (germline): Uncertain significance (1 of 4 stars; one submission).

Conditions:
Inborn genetic diseases. Identifiers: MedGen C0950123, MeSH D030342.

Submission:

Ambry Genetics
Classification: Uncertain significance for Inborn genetic diseases. Last evaluated: 2026-04-20. Review status: criteria provided, single submitter. Criteria: Ambry Variant Classification Scheme 2023. Collection method: clinical testing. Allele origin: germline.
Comment: The p.M1309T variant (also known as c.3926T>C), located in coding exon 27 of the ANKRD26 gene, results from a T to C substitution at nucleotide position 3926. The methionine at codon 1309 is replaced by threonine, an amino acid with similar properties. This amino acid position is conserved. In addition, this alteration is predicted to be tolerated by in silico analysis. Based on the available evidence, the clinical significance of this variant remains unclear.

NM_014915.3(ANKRD26):c.3926T>C (p.Met1309Thr)

Gene: ANKRD26 (ankyrin repeat domain 26; minus strand). Cytogenetic location: 10p12.1.
Variant type: single nucleotide variant.
Coding change: c.3926T>C on transcript NM_014915.3 (MANE Select); coding-DNA position 3926, T replaced by C.
Protein change: p.Met1309Thr; replaces methionine 1309 with threonine.
Molecular consequence: missense variant.
Genome position (GRCh38, 1-based): chr10:27,028,898, A>G on the plus strand (T>C on the coding strand, the complement: ANKRD26 is on the minus strand). VCF-style: chr10-27028898-A-G. GRCh37 (hg19) VCF-style: chr10-27317827-A-G.
Other names: c.3923T>C, p.Met1308Thr (NM_001256053.2); short protein forms M1308T, M1309T.
Identifiers: ClinVar variation 4859409 (VCV004859409.1).
Genomic context (GRCh38, chr10:27,028,898, plus strand): 5'-AGTGGCTGACTTACCAAATTTGCATTTAACAGGTTTTTCTGAAGCTCCTCAATTTTGTCC[A>G]TTTGCTTTTTGACTGTAACTTTTAACTTGGCATTATCTTTTTCAAGCCTGAAATGTATAT-3'
Protein context (NP_055730.2, residues 1299-1319): AKLKVTVKKQ[Met1309Thr]DKIEELQKNL